The following is an entry in ClinVar:

NM_030665.4(RAI1):c.5431G>A (p.Ala1811Thr)

Gene: RAI1 (retinoic acid induced 1; plus strand). Cytogenetic location: 17p11.2.
Variant type: single nucleotide variant.
Coding change: c.5431G>A on transcript NM_030665.4 (MANE Select); coding-DNA position 5431, G replaced by A.
Protein change: p.Ala1811Thr; replaces alanine 1811 with threonine.
Molecular consequence: missense variant.
Genome position (GRCh38, 1-based): chr17:17,798,379, G>A. VCF-style: chr17-17798379-G-A. GRCh37 (hg19) VCF-style: chr17-17701693-G-A.
Other names: short protein forms A1811T.
Identifiers: ClinVar variation 1475909 (VCV001475909.8), dbSNP rs1414199058, ClinGen allele CA398559159.
Genomic context (GRCh38, chr17:17,798,379, plus strand): 5'-GATGGGGGCGAGGAGGCAGCCCCAGCCGACAAGGGTCGCAAACATGAGTGCAGCAAGGAG[G>A]CTCCGGCAGAGCCCGGCGGGGAGGCCCAGGAGCACTGGGTGCATGAGGCCTGTGCCGTGT-3'
Protein context (NP_109590.3, residues 1801-1821): KGRKHECSKE[Ala1811Thr]PAEPGGEAQE

ClinVar aggregate classification (germline): Uncertain significance (1 of 4 stars; one submission).

Allele frequency attached by ClinVar (database versions not stated): TOPMed 0.00001; gnomAD 0.00003.
gnomAD v4.1: 6 of 1,609,558 alleles (0.00037%); highest among the groups gnomAD compares: African/African-American, 0.0053%; no homozygotes.

Submission:

Labcorp Genetics (formerly Invitae), Labcorp
Classification: Uncertain significance. Last evaluated: 2026-01-13. Review status: criteria provided, single submitter. Criteria: Invitae Variant Classification Sherloc (09022015). Collection method: clinical testing. Allele origin: germline.
Comment: This sequence change replaces alanine, which is neutral and non-polar, with threonine, which is neutral and polar, at codon 1811 of the RAI1 protein (p.Ala1811Thr). This variant is present in population databases (no rsID available, gnomAD 0.01%). This variant has not been reported in the literature in individuals affected with RAI1-related conditions. ClinVar contains an entry for this variant (Variation ID: 1475909). Invitae Evidence Modeling of protein sequence and biophysical properties (such as structural, functional, and spatial information, amino acid conservation, physicochemical variation, residue mobility, and thermodynamic stability) indicates that this missense variant is not expected to disrupt RAI1 protein function with a negative predictive value of 80%. In summary, the available evidence is currently insufficient to determine the role of this variant in disease. Therefore, it has been classified as a Variant of Uncertain Significance.